The following is an entry in ClinVar:

NM_000350.3(ABCA4):c.5461-1G>T

Gene: ABCA4 (ATP binding cassette subfamily A member 4; minus strand). Cytogenetic location: 1p22.1.
Variant type: single nucleotide variant.
Coding change: c.5461-1G>T on transcript NM_000350.3 (MANE Select); the canonical splice acceptor site of the intron before coding-DNA position 5461, G replaced by T.
Molecular consequence: splice acceptor variant.
Genome position (GRCh38, 1-based): chr1:94,011,386, C>A on the plus strand (G>T on the coding strand, the complement: ABCA4 is on the minus strand). VCF-style: chr1-94011386-C-A. GRCh37 (hg19) VCF-style: chr1-94476942-C-A.
Identifiers: ClinVar variation 1065650 (VCV001065650.8), dbSNP rs2101008577, ClinGen allele CA341281210.

ClinVar aggregate classification (germline): Pathogenic. Review status: criteria provided, multiple submitters, no conflicts (2 of 4 stars). 3 submissions from 3 submitters: Pathogenic (2). 1 of the submissions does not count toward it. Last evaluated 2023-11-13.

Conditions:
Severe early-childhood-onset retinal dystrophy (STGD1). Also called: STGD; Stargardt macular dystrophy; Juvenile onset macular degeneration; Stargardt disease 1; MACULAR DYSTROPHY WITH FLECKS, TYPE 1. Identifiers: Orphanet 364055, Orphanet 827, MedGen C1855465, MeSH D000080362, MONDO:0009549, OMIM 248200.

Allele frequency attached by ClinVar (database versions not stated): gnomAD exomes below 0.00001.
gnomAD v4.1: 2 of 1,613,906 alleles (0.00012%); highest among the groups gnomAD compares: Admixed American, 0.0017%; no homozygotes.

Submissions (3):

Labcorp Genetics (formerly Invitae), Labcorp
Classification: Pathogenic. Last evaluated: 2023-11-13. Review status: criteria provided, single submitter. Criteria: Invitae Variant Classification Sherloc (09022015). Collection method: clinical testing. Allele origin: germline.
Comment: This sequence change affects an acceptor splice site in intron 38 of the ABCA4 gene. It is expected to disrupt RNA splicing. Variants that disrupt the donor or acceptor splice site typically lead to a loss of protein function (PMID: 16199547), and loss-of-function variants in ABCA4 are known to be pathogenic (PMID: 10958761, 24938718, 25312043, 26780318). This variant is not present in population databases (gnomAD no frequency). Disruption of this splice site has been observed in individuals with ABCA4-related conditions (PMID: 28181551; Invitae). ClinVar contains an entry for this variant (Variation ID: 1065650). Algorithms developed to predict the effect of sequence changes on RNA splicing suggest that this variant may disrupt the consensus splice site. For these reasons, this variant has been classified as Pathogenic.

Ocular Genomics Institute, Massachusetts Eye and Ear
Classification: Pathogenic for Severe early-childhood-onset retinal dystrophy. Last evaluated: 2021-04-08. Review status: criteria provided, single submitter. Criteria: ACMG Guidelines, 2015. Collection method: research. Allele origin: germline. Affected: yes.
Comment: Through a review of available evidence we were able to apply the following criteria: PVS1, PM2, PP1. Based on this evidence we have classified this variant as Pathogenic.

Ophthalmo-Genetics Lab, Instituto de Oftalmologia Conde de Valenciana
Classification: Pathogenic for Severe early-childhood-onset retinal dystrophy. Review status: no assertion criteria provided. Collection method: research. Allele origin: germline. Inheritance: Autosomal recessive inheritance. Affected: yes. Not counted in ClinVar's aggregate classification.

Literature cited by the submitters: PubMed 16199547 (cited by Labcorp Genetics (formerly Invitae), Labcorp); PubMed 10958761 (cited by Labcorp Genetics (formerly Invitae), Labcorp); PubMed 24938718 (cited by Labcorp Genetics (formerly Invitae), Labcorp); PubMed 25312043 (cited by Labcorp Genetics (formerly Invitae), Labcorp); PubMed 26780318 (cited by Labcorp Genetics (formerly Invitae), Labcorp); PubMed 28181551 (cited by Labcorp Genetics (formerly Invitae), Labcorp and Ocular Genomics Institute, Massachusetts Eye and Ear); PubMed 36910710 (cited by Ophthalmo-Genetics Lab, Instituto de Oftalmologia Conde de Valenciana).